The following is an entry in ClinVar:

ClinVar aggregate classification (germline): Uncertain significance (1 of 4 stars; one submission).

Submission:

Labcorp Genetics (formerly Invitae), Labcorp
Classification: Uncertain significance. Last evaluated: 2025-12-15. Review status: criteria provided, single submitter. Criteria: Invitae Variant Classification Sherloc (09022015). Collection method: clinical testing. Allele origin: germline.
Comment: This sequence change replaces threonine, which is neutral and polar, with serine, which is neutral and polar, at codon 1570 of the LTBP2 protein (p.Thr1570Ser). This variant is not present in population databases (gnomAD no frequency). This variant has not been reported in the literature in individuals affected with LTBP2-related conditions. An algorithm developed to predict the effect of missense changes on protein structure and function outputs the following: PolyPhen-2: "Benign". The serine amino acid residue is found in multiple mammalian species, which suggests that this missense change does not adversely affect protein function. In summary, the available evidence is currently insufficient to determine the role of this variant in disease. Therefore, it has been classified as a Variant of Uncertain Significance.

NM_000428.3(LTBP2):c.4709C>G (p.Thr1570Ser)

Gene: LTBP2 (latent transforming growth factor beta binding protein 2; minus strand). Cytogenetic location: 14q24.3.
Variant type: single nucleotide variant.
Coding change: c.4709C>G on transcript NM_000428.3 (MANE Select); coding-DNA position 4709, C replaced by G.
Protein change: p.Thr1570Ser; replaces threonine 1570 with serine.
Molecular consequence: missense variant.
Genome position (GRCh38, 1-based): chr14:74,503,480, G>C on the plus strand (C>G on the coding strand, the complement: LTBP2 is on the minus strand). VCF-style: chr14-74503480-G-C. GRCh37 (hg19) VCF-style: chr14-74970183-G-C.
Other names: short protein forms T1570S.
Identifiers: ClinVar variation 4769286 (VCV004769286.1).
Genomic context (GRCh38, chr14:74,503,480, plus strand): 5'-CCCAGCCCAGGTACCCTTCTCCTGCTCCCCCACGCTCAGGCCCACTCACCCGTGCTGCTG[G>C]TGCTGTTCATGCAGCGCTGCTGGCTGAGGTCCAGGGTGAGCGGGGGGCTGCAGAAGCAGT-3'
Protein context (NP_000419.1, residues 1560-1580): DLSQQRCMNS[Thr1570Ser]SSTEDLPDHD